The following is an entry in ClinVar:

ClinVar aggregate classification (germline): Uncertain significance (1 of 4 stars; one submission).

Conditions:
Inborn genetic diseases. Identifiers: MedGen C0950123, MeSH D030342.

gnomAD v4.1: 3 of 1,610,346 alleles (0.00019%); highest among the groups gnomAD compares: African/African-American, 0.0027%; no homozygotes.

Submission:

Ambry Genetics
Classification: Uncertain significance for Inborn genetic diseases. Last evaluated: 2024-09-18. Review status: criteria provided, single submitter. Criteria: Ambry Variant Classification Scheme 2023. Collection method: clinical testing. Allele origin: germline.
Comment: The p.E797K variant (also known as c.2389G>A), located in coding exon 11 of the ATR gene, results from a G to A substitution at nucleotide position 2389. The glutamic acid at codon 797 is replaced by lysine, an amino acid with similar properties. This amino acid position is conserved. In addition, this alteration is predicted to be tolerated by in silico analysis. Based on the available evidence, the clinical significance of this variant remains unclear.

NM_001184.4(ATR):c.2389G>A (p.Glu797Lys)

Gene: ATR (ATR serine/threonine kinase; minus strand). Cytogenetic location: 3q23.
Variant type: single nucleotide variant.
Coding change: c.2389G>A on transcript NM_001184.4 (MANE Select); coding-DNA position 2389, G replaced by A.
Protein change: p.Glu797Lys; replaces glutamic acid 797 with lysine.
Molecular consequence: missense variant.
Genome position (GRCh38, 1-based): chr3:142,553,968, C>T on the plus strand (G>A on the coding strand, the complement: ATR is on the minus strand). VCF-style: chr3-142553968-C-T. GRCh37 (hg19) VCF-style: chr3-142272810-C-T.
Other names: c.2197G>A, p.Glu733Lys (NM_001354579.2); short protein forms E733K, E797K.
Identifiers: ClinVar variation 3460991 (VCV003460991.1).